The following is an entry in ClinVar:

ClinVar aggregate classification (germline): Uncertain significance. Review status: criteria provided, multiple submitters, no conflicts (2 of 4 stars). 2 submissions from 2 submitters: Uncertain significance (2). Last evaluated 2024-04-05.

Conditions:
Methylmalonic aciduria, cblB type (MACB). Also called: Vitamin B12-responsive methylmalonic acidemia type cblB; METHYLMALONIC ACIDURIA, VITAMIN B12-RESPONSIVE, DUE TO DEFECT IN SYNTHESIS OF ADENOSYLCOBALAMIN, cblB TYPE; Methylmalonic acidemia cblB type. Identifiers: Orphanet 28, Orphanet 79311, MedGen C1855102, MONDO:0009614, OMIM 251110.

Allele frequency attached by ClinVar (database versions not stated): gnomAD exomes below 0.00001 and 0.00002; ExAC 0.00001; gnomAD 0.00001; TOPMed 0.00001.
gnomAD v4.1: 30 of 1,608,612 alleles (0.0019%); highest among the groups gnomAD compares: Middle Eastern, 0.17%; no homozygotes.

Submissions (2):

Labcorp Genetics (formerly Invitae), Labcorp
Classification: Uncertain significance for Methylmalonic aciduria, cblB type. Last evaluated: 2024-04-05. Review status: criteria provided, single submitter. Criteria: Invitae Variant Classification Sherloc (09022015). Collection method: clinical testing. Allele origin: germline.
Comment: This sequence change replaces cysteine, which is neutral and slightly polar, with serine, which is neutral and polar, at codon 21 of the MMAB protein (p.Cys21Ser). This variant is present in population databases (rs763383858, gnomAD 0.001%). This variant has not been reported in the literature in individuals affected with MMAB-related conditions. ClinVar contains an entry for this variant (Variation ID: 1520198). Advanced modeling of protein sequence and biophysical properties (such as structural, functional, and spatial information, amino acid conservation, physicochemical variation, residue mobility, and thermodynamic stability) performed at Invitae indicates that this missense variant is not expected to disrupt MMAB protein function with a negative predictive value of 95%. In summary, the available evidence is currently insufficient to determine the role of this variant in disease. Therefore, it has been classified as a Variant of Uncertain Significance.

MGZ Medical Genetics Center
Classification: Uncertain significance for Methylmalonic aciduria, cblB type. Last evaluated: 2022-04-05. Review status: criteria provided, single submitter. Criteria: ACMG Guidelines, 2015. Collection method: clinical testing. Allele origin: germline. Affected: yes. Observed: 1 variant allele.
Comment: ACMG criteria applied: PM2_SUP

NM_052845.4(MMAB):c.61T>A (p.Cys21Ser)

Genes: MMAB (metabolism of cobalamin associated B; minus strand), MVK (mevalonate kinase; plus strand). Cytogenetic location: 12q24.11.
Variant type: single nucleotide variant.
Coding change: c.61T>A on transcript NM_052845.4 (MANE Select); coding-DNA position 61, T replaced by A.
Protein change: p.Cys21Ser; replaces cysteine 21 with serine.
Molecular consequence: missense variant. On other transcripts: non-coding transcript variant (1).
Genome position (GRCh38, 1-based): chr12:109,573,420, A>T on the plus strand (T>A on the coding strand, the complement: MMAB is on the minus strand). VCF-style: chr12-109573420-A-T. GRCh37 (hg19) VCF-style: chr12-110011225-A-T.
Other names: short protein forms C21S.
Identifiers: ClinVar variation 1520198 (VCV001520198.6), dbSNP rs763383858, ClinGen allele CA312720.